The following is an entry in ClinVar:

NM_013275.6(ANKRD11):c.3197A>G (p.His1066Arg)

Gene: ANKRD11 (ankyrin repeat domain 11; minus strand). Cytogenetic location: 16q24.3.
Variant type: single nucleotide variant.
Coding change: c.3197A>G on transcript NM_013275.6 (MANE Select); coding-DNA position 3197, A replaced by G.
Protein change: p.His1066Arg; replaces histidine 1066 with arginine.
Molecular consequence: missense variant.
Genome position (GRCh38, 1-based): chr16:89,283,345, T>C on the plus strand (A>G on the coding strand, the complement: ANKRD11 is on the minus strand). VCF-style: chr16-89283345-T-C. GRCh37 (hg19) VCF-style: chr16-89349753-T-C.
Other names: c.3197A>G, p.His1066Arg (NM_001256182.2, NM_001256183.2); short protein forms H1066R.
Identifiers: ClinVar variation 589582 (VCV000589582.6), dbSNP rs747326096, ClinGen allele CA8242407.

ClinVar aggregate classification (germline): Conflicting classifications of pathogenicity. Review status: criteria provided, conflicting classifications (1 of 4 stars). 2 submissions from 2 submitters: Uncertain significance (1); Likely benign (1). Last evaluated 2025-05-22.

Conditions:
Inborn genetic diseases. Identifiers: MedGen C0950123, MeSH D030342.
KBG syndrome (KBGS). Also called: ANKRD11-Related KBG Syndrome. Identifiers: Orphanet 2332, MedGen C0220687, MONDO:0007846, OMIM 148050.

Allele frequency attached by ClinVar (database versions not stated): ExAC 0.00001; gnomAD exomes 0.00002.
gnomAD v4.1: 24 of 1,613,924 alleles (0.0015%); highest among the groups gnomAD compares: Admixed American, 0.005%; no homozygotes.

Submissions (2):

Labcorp Genetics (formerly Invitae), Labcorp
Classification: Uncertain significance for KBG syndrome. Last evaluated: 2025-05-22. Review status: criteria provided, single submitter. Criteria: Invitae Variant Classification Sherloc (09022015). Collection method: clinical testing. Allele origin: germline.
Comment: This sequence change replaces histidine, which is basic and polar, with arginine, which is basic and polar, at codon 1066 of the ANKRD11 protein (p.His1066Arg). This variant is present in population databases (rs747326096, gnomAD 0.01%). This variant has not been reported in the literature in individuals affected with ANKRD11-related conditions. ClinVar contains an entry for this variant (Variation ID: 589582). Invitae Evidence Modeling of protein sequence and biophysical properties (such as structural, functional, and spatial information, amino acid conservation, physicochemical variation, residue mobility, and thermodynamic stability) indicates that this missense variant is not expected to disrupt ANKRD11 protein function with a negative predictive value of 95%. In summary, the available evidence is currently insufficient to determine the role of this variant in disease. Therefore, it has been classified as a Variant of Uncertain Significance.

Ambry Genetics
Classification: Likely benign for Inborn genetic diseases. Last evaluated: 2017-07-17. Review status: criteria provided, single submitter. Criteria: Ambry Variant Classification Scheme 2023. Collection method: clinical testing. Allele origin: germline.